The following is an entry in ClinVar:

NM_014363.6(SACS):c.4567T>C (p.Trp1523Arg)

Gene: SACS (sacsin molecular chaperone; minus strand). Cytogenetic location: 13q12.12.
Variant type: single nucleotide variant.
Coding change: c.4567T>C on transcript NM_014363.6 (MANE Select); coding-DNA position 4567, T replaced by C.
Protein change: p.Trp1523Arg; replaces tryptophan 1523 with arginine.
Molecular consequence: missense variant.
Genome position (GRCh38, 1-based): chr13:23,339,309, A>G on the plus strand (T>C on the coding strand, the complement: SACS is on the minus strand). VCF-style: chr13-23339309-A-G. GRCh37 (hg19) VCF-style: chr13-23913448-A-G.
Other names: c.4126T>C, p.Trp1376Arg (NM_001278055.2); c.4594T>C, p.Trp1532Arg (NM_001437336.1); short protein forms W1523R, W1376R, W1532R.
Identifiers: ClinVar variation 5004922 (VCV005004922.1).

ClinVar aggregate classification (germline): Uncertain significance (1 of 4 stars; one submission).

Conditions:
Charlevoix-Saguenay spastic ataxia (SACS). Also called: AUTOSOMAL RECESSIVE SPASTIC ATAXIA OF CHARLEVOIX-SAGUENAY; Spastic ataxia of Charlevoix-Saguenay; SPASTIC ATAXIA 6, AUTOSOMAL RECESSIVE. Identifiers: Orphanet 98, MedGen C1849140, MONDO:0010041, OMIM 270550.

Submission:

Myriad Genetics, Inc.
Classification: Uncertain significance for Charlevoix-Saguenay spastic ataxia. Last evaluated: 2026-08-11. Review status: criteria provided, single submitter. Criteria: Myriad Autosomal Dominant, Autosomal Recessive and X-Linked Classification Criteria (2023). Collection method: clinical testing. Allele origin: unknown.
Comment: NM_014363.4(SACS):c.4567T>C(W1523R) is a missense variant classified as a variant of uncertain significance in the context of autosomal recessive spastic ataxia of Charlevoix-Saguenay. W1523R has been observed in a case with relevant disease (PMID: 23280630). Relevant functional assessments of this variant are not available in the literature. W1523R has not been observed in referenced population frequency databases. In summary, there is insufficient evidence to classify NM_014363.4(SACS):c.4567T>C(W1523R) as pathogenic or benign. Please note: this variant was assessed in the context of healthy population screening.

Literature cited by the submitters: PubMed 23280630.